The following is an entry in ClinVar:

NM_031885.5(BBS2):c.1429C>T (p.Gln477Ter)

Gene: BBS2 (Bardet-Biedl syndrome 2; minus strand). Cytogenetic location: 16q13.
Variant type: single nucleotide variant.
Coding change: c.1429C>T on transcript NM_031885.5 (MANE Select); coding-DNA position 1429, C replaced by T.
Protein change: p.Gln477Ter; replaces glutamine 477 with a stop codon.
Molecular consequence: nonsense. On other transcripts: non-coding transcript variant (5).
Genome position (GRCh38, 1-based): chr16:56,499,876, G>A on the plus strand (C>T on the coding strand, the complement: BBS2 is on the minus strand). VCF-style: chr16-56499876-G-A. GRCh37 (hg19) VCF-style: chr16-56533788-G-A.
Other names: c.1429C>T, p.Gln477Ter (NM_001377456.1); short protein forms Q477*.
Identifiers: ClinVar variation 4764689 (VCV004764689.1), dbSNP rs2144139391.
Genomic context (GRCh38, chr16:56,499,876, plus strand): 5'-TGATTGGCTCACTGGCAGGGTCCAGGCTGGTCAGCGCATACATGGAGAATCGAGGGAGCT[G>A]TCTTGTCGATTCAAATACATGAAACTGGGTGCTATGGCCAATCAATGAAACACAAGAGAA-3'

ClinVar aggregate classification (germline): Pathogenic (1 of 4 stars; one submission).

Conditions:
Bardet-Biedl syndrome (BBS). Identifiers: Orphanet 110, MedGen C0752166, MONDO:0015229.

Submission:

Labcorp Genetics (formerly Invitae), Labcorp
Classification: Pathogenic for Bardet-Biedl syndrome. Last evaluated: 2025-03-18. Review status: criteria provided, single submitter. Criteria: Invitae Variant Classification Sherloc (09022015). Collection method: clinical testing. Allele origin: germline.
Comment: This sequence change creates a premature translational stop signal (p.Gln477*) in the BBS2 gene. It is expected to result in an absent or disrupted protein product. Loss-of-function variants in BBS2 are known to be pathogenic (PMID: 11285252, 20177705, 24608809, 26518167). This variant is not present in population databases (gnomAD no frequency). This variant has not been reported in the literature in individuals affected with BBS2-related conditions. For these reasons, this variant has been classified as Pathogenic.

Literature cited by the submitters: PubMed 11285252; PubMed 20177705; PubMed 24608809; PubMed 26518167.